The following is an entry in ClinVar:

ClinVar aggregate classification (germline): Uncertain significance (1 of 4 stars; one submission).

Submission:

Labcorp Genetics (formerly Invitae), Labcorp
Classification: Uncertain significance. Last evaluated: 2021-08-31. Review status: criteria provided, single submitter. Criteria: Invitae Variant Classification Sherloc (09022015). Collection method: clinical testing. Allele origin: germline.
Comment: Algorithms developed to predict the effect of missense changes on protein structure and function (SIFT, PolyPhen-2, Align-GVGD) all suggest that this variant is likely to be tolerated. This variant has not been reported in the literature in individuals affected with HS6ST1-related conditions. This variant is not present in population databases (ExAC no frequency). This sequence change replaces serine with isoleucine at codon 41 of the HS6ST1 protein (p.Ser41Ile). The serine residue is moderately conserved and there is a large physicochemical difference between serine and isoleucine. In summary, the available evidence is currently insufficient to determine the role of this variant in disease. Therefore, it has been classified as a Variant of Uncertain Significance.

NM_004807.3(HS6ST1):c.122G>T (p.Ser41Ile)

Gene: HS6ST1 (heparan sulfate 6-O-sulfotransferase 1; minus strand). Cytogenetic location: 2q14.3.
Variant type: single nucleotide variant.
Coding change: c.122G>T on transcript NM_004807.3 (MANE Select); coding-DNA position 122, G replaced by T.
Protein change: p.Ser41Ile; replaces serine 41 with isoleucine.
Molecular consequence: missense variant.
Genome position (GRCh38, 1-based): chr2:128,318,442, C>A on the plus strand (G>T on the coding strand, the complement: HS6ST1 is on the minus strand). VCF-style: chr2-128318442-C-A. GRCh37 (hg19) VCF-style: chr2-129076016-C-A.
Other names: short protein forms S41I.
Identifiers: ClinVar variation 1378933 (VCV001378933.6), dbSNP rs201154532, ClinGen allele CA348617507.